The following is an entry in ClinVar:

ClinVar aggregate classification (germline): Pathogenic (1 of 4 stars; one submission).

Conditions:
Neurofibromatosis, type 1 (NF1). Also called: Neurofibromatosis, type I; NEUROFIBROMATOSIS, TYPE I, SOMATIC; VON RECKLINGHAUSEN DISEASE; Peripheral type neurofibromatosis. Identifiers: Orphanet 636, MedGen C0027831, MONDO:0018975, OMIM 162200. Disease mechanism: loss of function.

Submission:

Dr. med. U. Finckh, Human Genetics, Eurofins MVZ
Classification: Pathogenic for Neurofibromatosis, type 1. Last evaluated: 2023-03-28. Review status: criteria provided, single submitter. Criteria: ACMG Guidelines, 2015. Collection method: clinical testing. Allele origin: germline. Affected: yes. Observed: 2 heterozygotes.

NM_001042492.3(NF1):c.6547del (p.Arg2183fs)

Gene: NF1 (neurofibromin 1; plus strand). Cytogenetic location: 17q11.2.
Variant type: Deletion.
Coding change: c.6547del on transcript NM_001042492.3 (MANE Select); coding-DNA position 6547, one base deleted (C; older notation c.6547delC).
Protein change: p.Arg2183fs; shifts the reading frame from arginine 2183.
Molecular consequence: frameshift variant.
Genome position (GRCh38, 1-based): chr17:31,337,487, C deleted; the last of 2 consecutive C bases (chr17:31,337,486-31,337,487); deleting either gives the same sequence. VCF-style (leftmost placement, unchanged base first): chr17-31337485-AC-A. GRCh37 (hg19) VCF-style: chr17-29664503-AC-A.
Other names: c.6484delC, p.Arg2162Glyfs (NM_000267.4); short protein forms R2162fs, R2183fs.
Identifiers: ClinVar variation 2580965 (VCV002580965.1), dbSNP rs2508753796, ClinGen allele CA2580618197.